The following is an entry in ClinVar:

ClinVar aggregate classification (germline): Benign/Likely benign. Review status: criteria provided, multiple submitters, no conflicts (2 of 4 stars). 3 submissions from 3 submitters: Benign (1); Likely benign (2). Last evaluated 2026-09-14.

Conditions:
Colorectal cancer, hereditary nonpolyposis, type 7. Identifiers: Orphanet 144, MedGen C1858380, MONDO:0013725, OMIM 614385.

Allele frequency attached by ClinVar (database versions not stated): gnomAD exomes below 0.00001.

Submissions (3):

Myriad Genetics, Inc.
Classification: Benign for Colorectal cancer, hereditary nonpolyposis, type 7. Last evaluated: 2026-09-14. Review status: criteria provided, single submitter. Criteria: Myriad Autosomal Dominant, Autosomal Recessive and X-Linked Classification Criteria (2023). Collection method: clinical testing. Allele origin: unknown.
Comment: This variant is considered benign. This variant is a silent/synonymous amino acid change and it is not expected to impact splicing.

Labcorp Genetics (formerly Invitae), Labcorp
Classification: Likely benign for Colorectal cancer, hereditary nonpolyposis, type 7. Last evaluated: 2025-03-20. Review status: criteria provided, single submitter. Criteria: Invitae Variant Classification Sherloc (09022015). Collection method: clinical testing. Allele origin: germline.

Ambry Genetics
Classification: Likely benign. Last evaluated: 2019-11-01. Review status: criteria provided, single submitter. Criteria: Ambry Variant Classification Scheme 2023. Collection method: clinical testing. Allele origin: germline.

NM_001040108.2(MLH3):c.2397G>A (p.Glu799=)

Gene: MLH3 (mutL homolog 3; minus strand). Cytogenetic location: 14q24.3.
Variant type: single nucleotide variant.
Coding change: c.2397G>A on transcript NM_001040108.2 (MANE Select); coding-DNA position 2397, G replaced by A.
Protein change: p.Glu799=; no amino-acid change (glutamic acid 799 retained).
Molecular consequence: synonymous variant.
Genome position (GRCh38, 1-based): chr14:75,047,259, C>T on the plus strand (G>A on the coding strand, the complement: MLH3 is on the minus strand). VCF-style: chr14-75047259-C-T. GRCh37 (hg19) VCF-style: chr14-75513962-C-T.
Other names: c.2397G>A, p.Glu799= (NM_014381.3).
Identifiers: ClinVar variation 1790638 (VCV001790638.4), dbSNP rs1338764797, ClinGen allele CA487273477.